The following is an entry in ClinVar:

ClinVar aggregate classification (germline): Uncertain significance (1 of 4 stars; one submission).

gnomAD v4.1: 1 of 1,609,970 alleles (0.000062%); highest among the groups gnomAD compares: Non-Finnish European, 0.000085%; no homozygotes.

Submission:

Ambry Genetics
Classification: Uncertain significance. Last evaluated: 2026-06-16. Review status: criteria provided, single submitter. Criteria: Ambry Variant Classification Scheme 2023. Collection method: clinical testing. Allele origin: germline.
Comment: The p.F160C variant (also known as c.479T>G), located in coding exon 5 of the RAD51B gene, results from a T to G substitution at nucleotide position 479. The phenylalanine at codon 160 is replaced by cysteine, an amino acid with highly dissimilar properties. This amino acid position is conserved. In addition, the in silico prediction for this alteration is inconclusive. Based on the available evidence, the clinical significance of this variant remains unclear.

NM_133510.4(RAD51B):c.479T>G (p.Phe160Cys)

Gene: RAD51B (RAD51 paralog B; plus strand). Cytogenetic location: 14q24.1.
Variant type: single nucleotide variant.
Coding change: c.479T>G on transcript NM_133510.4 (MANE Select); coding-DNA position 479, T replaced by G.
Protein change: p.Phe160Cys; replaces phenylalanine 160 with cysteine.
Molecular consequence: missense variant.
Genome position (GRCh38, 1-based): chr14:67,885,895, T>G. VCF-style: chr14-67885895-T-G. GRCh37 (hg19) VCF-style: chr14-68352612-T-G.
Other names: c.122T>G, p.Phe41Cys (NM_001321817.2); c.479T>G, p.Phe160Cys (NM_001321818.2, NM_001321819.1, NM_001321821.2 and 6 more transcripts); c.365T>G, p.Phe122Cys (NM_001321815.1); short protein forms F41C, F160C, F122C.
Identifiers: ClinVar variation 5027760 (VCV005027760.1).